The following is an entry in ClinVar:

NM_000052.7(ATP7A):c.1867G>A (p.Glu623Lys)

Gene: ATP7A (ATPase copper transporting alpha; plus strand). Cytogenetic location: Xq21.1.
Variant type: single nucleotide variant.
Coding change: c.1867G>A on transcript NM_000052.7 (MANE Select); coding-DNA position 1867, G replaced by A.
Protein change: p.Glu623Lys; replaces glutamic acid 623 with lysine.
Molecular consequence: missense variant.
Genome position (GRCh38, 1-based): chrX:78,009,261, G>A. VCF-style: chrX-78009261-G-A. GRCh37 (hg19) VCF-style: chrX-77264758-G-A.
Other names: c.1867G>A, p.Glu623Lys (NM_001282224.2); short protein forms E623K.
Identifiers: ClinVar variation 1327909 (VCV001327909.3), dbSNP rs1382569560, ClinGen allele CA413597563.
Genomic context (GRCh38, chrX:78,009,261, plus strand): 5'-AAAGCACATATTAAATATGACCCAGAAATTATTGGTCCTAGAGATATTATCCATACAATT[G>A]AAGTAAGTGCCAAGAATTTATGTTTCTGTGTTCTTACCTATTTAATCAGCACTCCCGTGA-3'
Protein context (NP_000043.4, residues 613-633): IGPRDIIHTI[Glu623Lys]SLGFEASLVK

ClinVar aggregate classification (germline): Uncertain significance. Review status: criteria provided, multiple submitters, no conflicts (2 of 4 stars). 2 submissions from 2 submitters: Uncertain significance (2). Last evaluated 2025-12-03.

Conditions:
Cutis laxa, X-linked (OHS). Also called: EDS IX; Occipital horn syndrome. Identifiers: Orphanet 198, MedGen C0268353, MONDO:0010572, OMIM 304150.
X-linked distal spinal muscular atrophy type 3. Also called: SPINAL MUSCULAR ATROPHY, DISTAL, X-LINKED RECESSIVE; ATP7A-Related Distal Motor Neuropathy; NEURONOPATHY, DISTAL HEREDITARY MOTOR, X-LINKED; NEUROPATHY, DISTAL HEREDITARY MOTOR, X-LINKED. Identifiers: Orphanet 139557, MedGen C1845359, MONDO:0010338, OMIM 300489.
Menkes kinky-hair syndrome (MNK). Also called: Copper transport disease; Classic Menkes Disease; Menkes Disease. Identifiers: Orphanet 565, MedGen C0022716, MONDO:0010651, OMIM 309400.

Allele frequency attached by ClinVar (database versions not stated): gnomAD exomes 0.00001; TOPMed 0.00001.
gnomAD v4.1: 7 of 1,205,759 alleles (0.00058%); highest among the groups gnomAD compares: Non-Finnish European, 0.00079%; no homozygotes.

Submissions (2):

Labcorp Genetics (formerly Invitae), Labcorp
Classification: Uncertain significance for X-linked distal spinal muscular atrophy type 3; Cutis laxa, X-linked; Menkes kinky-hair syndrome. Last evaluated: 2025-12-03. Review status: criteria provided, single submitter. Criteria: Invitae Variant Classification Sherloc (09022015). Collection method: clinical testing. Allele origin: germline.
Comment: This sequence change replaces glutamic acid, which is acidic and polar, with lysine, which is basic and polar, at codon 623 of the ATP7A protein (p.Glu623Lys). This variant is present in population databases (no rsID available, gnomAD 0.001%). This variant has not been reported in the literature in individuals affected with ATP7A-related conditions. ClinVar contains an entry for this variant (Variation ID: 1327909). An algorithm developed to predict the effect of missense changes on protein structure and function outputs the following: PolyPhen-2: "Benign". The lysine amino acid residue is found in multiple mammalian species, which suggests that this missense change does not adversely affect protein function. In summary, the available evidence is currently insufficient to determine the role of this variant in disease. Therefore, it has been classified as a Variant of Uncertain Significance.

GeneDx
Classification: Uncertain significance. Last evaluated: 2021-06-11. Review status: criteria provided, single submitter. Criteria: GeneDx Variant Classification Process June 2021. Collection method: clinical testing. Allele origin: germline. Affected: yes.
Comment: Has not been previously published as pathogenic or benign to our knowledge; Not observed at significant frequency in large population cohorts (Lek et al., 2016); In silico analysis supports that this missense variant does not alter protein structure/function; This variant is associated with the following publications: (PMID: 27535533)